The following is an entry in ClinVar:

NM_001039591.3(USP9X):c.185A>G (p.Asp62Gly)

Gene: USP9X (ubiquitin specific peptidase 9 X-linked; plus strand). Cytogenetic location: Xp11.4.
Variant type: single nucleotide variant.
Coding change: c.185A>G on transcript NM_001039591.3 (MANE Select); coding-DNA position 185, A replaced by G.
Protein change: p.Asp62Gly; replaces aspartic acid 62 with glycine.
Molecular consequence: missense variant.
Genome position (GRCh38, 1-based): chrX:41,129,088, A>G. VCF-style: chrX-41129088-A-G. GRCh37 (hg19) VCF-style: chrX-40988341-A-G.
Other names: c.185A>G, p.Asp62Gly (NM_001039590.3, NM_001410748.1, NM_001410749.1 and 1 more transcripts); short protein forms D62G.
Identifiers: ClinVar variation 4755931 (VCV004755931.1).
Genomic context (GRCh38, chrX:41,129,088, plus strand): 5'-ATTCCCCGGCAACTCCCCCAGATGAGCAAGGTCAAGGTGATGCCCCACCACAGCTTGAAG[A>G]TGAGGAACCTGCATTTCCACATACTGACTTGGCCAAGTTGGATGACATGATCAACAGGTG-3'
Protein context (NP_001034680.2, residues 52-72): GQGDAPPQLE[Asp62Gly]EEPAFPHTDL

ClinVar aggregate classification (germline): Uncertain significance (1 of 4 stars; one submission).

Submission:

GeneDx
Classification: Uncertain significance. Last evaluated: 2025-08-01. Review status: criteria provided, single submitter. Criteria: GeneDx Variant Classification Process June 2021. Collection method: clinical testing. Allele origin: germline. Affected: yes.
Comment: Not observed at significant frequency in large population cohorts (gnomAD); In silico analysis suggests that this missense variant does not alter protein structure/function; In silico analysis suggests this variant may impact gene splicing. In the absence of RNA/functional studies, the actual effect of this sequence change is unknown.; Has not been previously published as pathogenic or benign to our knowledge